The following is an entry in ClinVar:

ClinVar aggregate classification (germline): Likely benign (1 of 4 stars; one submission).

gnomAD v4.1: 102 of 1,614,080 alleles (0.0063%); highest among the groups gnomAD compares: Middle Eastern, 0.033%; no homozygotes.

Submission:

CeGaT Center for Human Genetics Tuebingen
Classification: Likely benign. Last evaluated: 2025-10-01. Review status: criteria provided, single submitter. Criteria: CeGaT Center For Human Genetics Tuebingen Variant Classification Criteria Version 2. Collection method: clinical testing. Allele origin: germline. Affected: yes. Observed: 2 variant alleles.
Comment: ITPR3: BP4, BP7

NM_002224.4(ITPR3):c.6444G>A (p.Thr2148=)

Gene: ITPR3 (inositol 1,4,5-trisphosphate receptor type 3; plus strand). Cytogenetic location: 6p21.31.
Variant type: single nucleotide variant.
Coding change: c.6444G>A on transcript NM_002224.4 (MANE Select); coding-DNA position 6444, G replaced by A.
Protein change: p.Thr2148=; no amino-acid change (threonine 2148 retained).
Molecular consequence: synonymous variant.
Genome position (GRCh38, 1-based): chr6:33,688,307, G>A. VCF-style: chr6-33688307-G-A. GRCh37 (hg19) VCF-style: chr6-33656084-G-A.
Identifiers: ClinVar variation 3905014 (VCV003905014.10).